The following is an entry in ClinVar:

ClinVar aggregate classification (germline): Likely benign. Review status: criteria provided, multiple submitters, no conflicts (2 of 4 stars). 3 submissions from 3 submitters: Likely benign (3). Last evaluated 2024-09-16.

Conditions:
Hereditary cancer-predisposing syndrome. Also called: Hereditary Cancer Syndrome; Hereditary neoplastic syndrome; Neoplastic Syndromes, Hereditary; Tumor predisposition. Identifiers: Orphanet 140162, MedGen C0027672, MeSH D009386, MONDO:0015356.
Fanconi anemia (FA). Also called: Fanconi's anemia. Identifiers: Orphanet 84, MedGen C0015625, MeSH D005199, MONDO:0019391.

Submissions (3):

Ambry Genetics
Classification: Likely benign for Hereditary cancer-predisposing syndrome. Last evaluated: 2024-09-16. Review status: criteria provided, single submitter. Criteria: Ambry Variant Classification Scheme 2023. Collection method: clinical testing. Allele origin: germline.

Labcorp Genetics (formerly Invitae), Labcorp
Classification: Likely benign for Fanconi anemia. Last evaluated: 2022-12-03. Review status: criteria provided, single submitter. Criteria: Invitae Variant Classification Sherloc (09022015). Collection method: clinical testing. Allele origin: germline.

GeneDx
Classification: Likely benign. Last evaluated: 2016-02-05. Review status: criteria provided, single submitter. Criteria: GeneDx Variant Classification (06012015). Collection method: clinical testing. Allele origin: germline. Affected: yes.
Comment: This variant is considered likely benign or benign based on one or more of the following criteria: it is a conservative change, it occurs at a poorly conserved position in the protein, it is predicted to be benign by multiple in silico algorithms, and/or has population frequency not consistent with disease.

NM_000136.3(FANCC):c.1095C>G (p.Leu365=)

Genes: AOPEP (aminopeptidase O (putative); plus strand), FANCC (FA complementation group C; minus strand). Cytogenetic location: 9q22.32.
Variant type: single nucleotide variant.
Coding change: c.1095C>G on transcript NM_000136.3 (MANE Select); coding-DNA position 1095, C replaced by G.
Protein change: p.Leu365=; no amino-acid change (leucine 365 retained).
Molecular consequence: synonymous variant.
Genome position (GRCh38, 1-based): chr9:95,114,688, G>C on the plus strand (C>G on the coding strand, the complement: FANCC is on the minus strand). VCF-style: chr9-95114688-G-C. GRCh37 (hg19) VCF-style: chr9-97876970-G-C.
Other names: c.1095C>G, p.Leu365= (NM_001243743.2, NM_001243744.2).
Identifiers: ClinVar variation 383590 (VCV000383590.5), dbSNP rs1057521687, ClinGen allele CA16605555.
Genomic context (GRCh38, chr9:95,114,688, plus strand): 5'-CCCATGAGTCTGGTCTTCAACTGCTTCTCTGAGCAGTTCAGAAATATGCTTCAGTGTCTG[G>C]AGCCAGTGTCCCCGAGGGATATCTGCGGGTGGAGAGAGATACGTCAGAGGGCAACTGAGG-3'
Protein context (NP_000127.2, residues 355-375): DPQDIPRGHW[Leu365=]QTLKHISELL